The following is an entry in ClinVar:

ClinVar aggregate classification (germline): Pathogenic (1 of 4 stars; one submission).

Conditions:
NF1-related disorder. Also called: NF1-related condition. Identifiers: MedGen CN379171.

Submission:

PreventionGenetics, part of Exact Sciences
Classification: Pathogenic for NF1-related condition. Last evaluated: 2026-08-25. Review status: criteria provided, single submitter. Criteria: ACMG Guidelines, 2015. Collection method: clinical testing. Allele origin: germline.
Comment: The NF1 c.5668_5669delAT variant is predicted to result in premature protein termination (p.Ile1890*). To our knowledge, this variant has not been reported in the literature or in a large population database (gnomAD), indicating it is rare. At the time of reporting it was absent from ClinVar. This variant creates a premature translation stop signal and is expected to result in a loss of NF1 protein. Loss-of-function variants in NF1 are expected to be pathogenic. This variant is interpreted as pathogenic.

NM_001042492.3(NF1):c.5731_5732del (p.Ser1910_Ile1911insTer)

Gene: NF1 (neurofibromin 1; plus strand). Cytogenetic location: 17q11.2.
Variant type: Deletion.
Coding change: c.5731_5732del on transcript NM_001042492.3 (MANE Select); coding-DNA positions 5731 to 5732, 2 bases deleted (AT; older notation c.5731_5732delAT).
Protein change: p.Ser1910_Ile1911insTer.
Molecular consequence: nonsense.
Genome position (GRCh38, 1-based): chr17:31,330,417-31,330,418, AT deleted; deleting any 2 consecutive bases within chr17:31,330,416-31,330,418 gives the same sequence; the c. name uses the placement nearest the transcript's 3' end. VCF-style (leftmost placement, unchanged base first): chr17-31330415-CTA-C. GRCh37 (hg19) VCF-style: chr17-29657433-CTA-C.
Other names: c.5668_5669del, p.Ser1889_Ile1890insTer (NM_000267.4).
Identifiers: ClinVar variation 4991035 (VCV004991035.1).